The following is an entry in ClinVar:

NM_203447.4(DOCK8):c.1790C>G (p.Ala597Gly)

Gene: DOCK8 (dedicator of cytokinesis 8; plus strand). Cytogenetic location: 9p24.3.
Variant type: single nucleotide variant.
Coding change: c.1790C>G on transcript NM_203447.4 (MANE Select); coding-DNA position 1790, C replaced by G.
Protein change: p.Ala597Gly; replaces alanine 597 with glycine.
Molecular consequence: missense variant.
Genome position (GRCh38, 1-based): chr9:368,128, C>G. VCF-style: chr9-368128-C-G. GRCh37 (hg19) VCF-style: chr9-368128-C-G.
Other names: c.1586C>G, p.Ala529Gly (NM_001190458.2, NM_001193536.2); short protein forms A529G, A597G.
Identifiers: ClinVar variation 1716697 (VCV001716697.6), dbSNP rs17673268, ClinGen allele CA372759697.

ClinVar aggregate classification (germline): Uncertain significance (1 of 4 stars; one submission).

Conditions:
Combined immunodeficiency due to DOCK8 deficiency (HIES2). Also called: HIES autosomal recessive; Hyper-IgE recurrent infection syndrome, autosomal recessive; HYPER-IgE RECURRENT INFECTION SYNDROME 2, AUTOSOMAL RECESSIVE; HYPER-IgE SYNDROME 2, AUTOSOMAL RECESSIVE, WITH RECURRENT INFECTIONS; DOCK8 Deficiency. Identifiers: Orphanet 217390, MedGen C4722305, MONDO:0009478, OMIM 243700.

Submission:

Labcorp Genetics (formerly Invitae), Labcorp
Classification: Uncertain significance for Combined immunodeficiency due to DOCK8 deficiency. Last evaluated: 2023-10-13. Review status: criteria provided, single submitter. Criteria: Invitae Variant Classification Sherloc (09022015). Collection method: clinical testing. Allele origin: germline.
Comment: This sequence change replaces alanine, which is neutral and non-polar, with glycine, which is neutral and non-polar, at codon 597 of the DOCK8 protein (p.Ala597Gly). This variant is not present in population databases (gnomAD no frequency). This variant has not been reported in the literature in individuals affected with DOCK8-related conditions. ClinVar contains an entry for this variant (Variation ID: 1716697). Advanced modeling of protein sequence and biophysical properties (such as structural, functional, and spatial information, amino acid conservation, physicochemical variation, residue mobility, and thermodynamic stability) has been performed at Invitae for this missense variant, however the output from this modeling did not meet the statistical confidence thresholds required to predict the impact of this variant on DOCK8 protein function. In summary, the available evidence is currently insufficient to determine the role of this variant in disease. Therefore, it has been classified as a Variant of Uncertain Significance.